The following is an entry in ClinVar:

NC_000009.11:g.(?_97365663)_(99064386_?)dup

Genes: AOPEP (aminopeptidase O (putative); plus strand), ERCC6L2 (ERCC excision repair 6 like 2; plus strand), FANCC (FA complementation group C; minus strand), FBP1 (fructose-bisphosphatase 1; minus strand), HSD17B3 (hydroxysteroid 17-beta dehydrogenase 3; minus strand) and 4 more. Cytogenetic location: 9q22.32.
Variant type: Duplication.
Identifiers: ClinVar variation 1412197 (VCV001412197.6).

ClinVar aggregate classification (germline): Uncertain significance (1 of 4 stars; one submission).

Submission:

Labcorp Genetics (formerly Invitae), Labcorp
Classification: Uncertain significance. Last evaluated: 2022-08-10. Review status: criteria provided, single submitter. Criteria: Invitae Variant Classification Sherloc (09022015). Collection method: clinical testing. Allele origin: germline.
Comment: In summary, the available evidence is currently insufficient to determine the role of this variant in disease. Therefore, it has been classified as a Variant of Uncertain Significance. Experimental studies and prediction algorithms are not available or were not evaluated, and the functional significance of this variant is currently unknown. This variant has not been reported in the literature in individuals affected with ERCC6L2-related conditions. A copy number gain of the genomic region encompassing the full coding sequence of the ERCC6L2 gene has been identified. The boundaries of this event are unknown as they extend beyond the assayed region for this gene and therefore may encompass additional genes. As the precise location of this event is unknown, it may be in tandem or it may be located elsewhere in the genome.